The following is an entry in ClinVar:

ClinVar aggregate classification (germline): Uncertain significance (1 of 4 stars; one submission).

Submission:

Dasa
Classification: Uncertain significance. Last evaluated: 2026-03-02. Review status: criteria provided, single submitter. Criteria: DASA Assertion Criteria. Collection method: clinical testing. Allele origin: germline.
Comment: NM_006796.3(AFG3L2):c.2340C>A (p.Asn780Lys) is a missense variant that results in the substitution of asparagine with lysine. This variant is absent from population databases. Computational prediction algorithms are consistent with a deleterious effect. The currently available literature and clinical evidence are not sufficient to establish a definitive association between this variant and the reported condition. Therefore, this variant is classified as a variant of uncertain significance.

NM_006796.3(AFG3L2):c.2340C>A (p.Asn780Lys)

Genes: AFG3L2 (AFG3 like matrix AAA peptidase subunit 2; minus strand), TUBB6 (tubulin beta 6 class V; plus strand). Cytogenetic location: 18p11.21.
Variant type: single nucleotide variant.
Coding change: c.2340C>A on transcript NM_006796.3 (MANE Select); coding-DNA position 2340, C replaced by A.
Protein change: p.Asn780Lys; replaces asparagine 780 with lysine.
Molecular consequence: missense variant. On other transcripts: 3 prime UTR variant (1).
Genome position (GRCh38, 1-based): chr18:12,329,619, G>T on the plus strand (C>A on the coding strand, the complement: AFG3L2 is on the minus strand). VCF-style: chr18-12329619-G-T. GRCh37 (hg19) VCF-style: chr18-12329618-G-T.
Other names: c.*436G>T (NM_001303525.2); short protein forms N780K.
Identifiers: ClinVar variation 4883507 (VCV004883507.2).
Genomic context (GRCh38, chr18:12,329,619, plus strand): 5'-GGGCCTCTAGTTGGCAACTTTCTCACCCGGGGGCTCCTCTTTCTCCTTTTCCCGCTCCTT[G>T]TTCCAGTCCTTAAGGCCTTCTGGAAGTGAGGTGTCCTCATCCAAGCTGCCAGTGCCTTCC-3'
Protein context (NP_006787.2, residues 770-790): TSLPEGLKDW[Asn780Lys]KEREKEKEEP